The following is an entry in ClinVar:

ClinVar aggregate classification (germline): Uncertain significance. Review status: criteria provided, multiple submitters, no conflicts (2 of 4 stars). 2 submissions from 2 submitters: Uncertain significance (2). Last evaluated 2025-02-19.

Conditions:
Arrhythmogenic right ventricular dysplasia 9 (ARVD9). Also called: Arrhythmogenic Right Ventricular Dysplasia/Cardiomyopathy 9; ARRHYTHMOGENIC RIGHT VENTRICULAR DYSPLASIA, FAMILIAL, 9. Identifiers: MedGen C1836906, MONDO:0012180, OMIM 609040.

Allele frequency attached by ClinVar (database versions not stated): gnomAD 0.00001; ExAC 0.00002; 1000 Genomes Project 0.00020; 1000 Genomes Project 30x 0.00031.
gnomAD v4.1: 5 of 1,613,328 alleles (0.00031%); highest among the groups gnomAD compares: African/African-American, 0.004%; no homozygotes.

Submissions (2):

Labcorp Genetics (formerly Invitae), Labcorp
Classification: Uncertain significance for Arrhythmogenic right ventricular dysplasia 9. Last evaluated: 2025-02-19. Review status: criteria provided, single submitter. Criteria: Invitae Variant Classification Sherloc (09022015). Collection method: clinical testing. Allele origin: germline.
Comment: This sequence change falls in intron 11 of the PKP2 gene. It does not directly change the encoded amino acid sequence of the PKP2 protein. This variant is present in population databases (rs551378645, gnomAD 0.01%). This variant has not been reported in the literature in individuals affected with PKP2-related conditions. ClinVar contains an entry for this variant (Variation ID: 1469589). Algorithms developed to predict the effect of sequence changes on RNA splicing suggest that this variant may create or strengthen a splice site. In summary, the available evidence is currently insufficient to determine the role of this variant in disease. Therefore, it has been classified as a Variant of Uncertain Significance.

Juno Genomics, Hangzhou Juno Genomics, Inc
Classification: Uncertain significance for Arrhythmogenic right ventricular dysplasia 9. Review status: criteria provided, single submitter. Criteria: ACMG Guidelines, 2015. Collection method: clinical testing. Allele origin: germline.
Comment: Absent from controls (or at extremely low frequency if recessive) in Genome Aggregation Database.;Multiple lines of computational evidence support a deleterious effect on the gene or gene product.

NM_001005242.3(PKP2):c.2167+11A>G

Gene: PKP2 (plakophilin 2; minus strand). Cytogenetic location: 12p11.21.
Variant type: single nucleotide variant.
Coding change: c.2167+11A>G on transcript NM_001005242.3 (MANE Select); 11 bases into the intron after coding-DNA position 2167, A replaced by G.
Molecular consequence: intron variant.
Genome position (GRCh38, 1-based): chr12:32,802,392, T>C on the plus strand (A>G on the coding strand, the complement: PKP2 is on the minus strand). VCF-style: chr12-32802392-T-C. GRCh37 (hg19) VCF-style: chr12-32955326-T-C.
Other names: c.2299+11A>G (NM_004572.4).
Identifiers: ClinVar variation 1469589 (VCV001469589.10), dbSNP rs551378645, ClinGen allele CA034068.